The following is an entry in ClinVar:

ClinVar aggregate classification (germline): Uncertain significance (1 of 4 stars; one submission).

Submission:

Labcorp Genetics (formerly Invitae), Labcorp
Classification: Uncertain significance. Last evaluated: 2023-10-22. Review status: criteria provided, single submitter. Criteria: Invitae Variant Classification Sherloc (09022015). Collection method: clinical testing. Allele origin: unknown.
Comment: This variant results in a copy number gain of the genomic region encompassing exon(s) 2 of the PPP1CB gene. This region includes the initiator codon of the gene. This copy number gain extends beyond the assayed region for this gene and therefore may encompass additional genes. As the precise location of this event is unknown, it may be in tandem or it may be located elsewhere in the genome. This variant has not been reported in the literature in individuals affected with PPP1CB-related conditions. Experimental studies and prediction algorithms are not available or were not evaluated, and the functional significance of this variant is currently unknown. In summary, the available evidence is currently insufficient to determine the role of this variant in disease. Therefore, it has been classified as a Variant of Uncertain Significance.

NC_000002.11:g.(?_28974991)_(28975062_?)dup

Gene: PPP1CB (protein phosphatase 1 catalytic subunit beta; plus strand). Cytogenetic location: 2p23.2.
Variant type: Duplication.
Identifiers: ClinVar variation 3247618 (VCV003247618.1).